The following is an entry in ClinVar:

ClinVar aggregate classification (germline): Conflicting classifications of pathogenicity. Review status: criteria provided, conflicting classifications (1 of 4 stars). 4 submissions from 3 submitters: Uncertain significance (1); Likely benign (3). Last evaluated 2025-02-13.

Conditions:
Neurofibromatosis, type 1 (NF1). Also called: Peripheral type neurofibromatosis; Neurofibromatosis, type I; VON RECKLINGHAUSEN DISEASE; NEUROFIBROMATOSIS, TYPE I, SOMATIC. Identifiers: Orphanet 636, MedGen C0027831, MONDO:0018975, OMIM 162200. Disease mechanism: loss of function.
Intellectual disability. Also called: Intellectual functioning disability; intellectual disabilities; Intellectual developmental disorder. Identifiers: MedGen C3714756, MeSH D008607, MONDO:0001071, HP:0001249.

Allele frequency attached by ClinVar (database versions not stated): ExAC 0.00020; gnomAD exomes 0.00022 and 0.00053; gnomAD 0.00026 and 0.00027; ESP Exome Variant Server 0.00054.
gnomAD v4.1: 831 of 1,613,548 alleles (0.052%); highest among the groups gnomAD compares: Non-Finnish European, 0.063%; no homozygotes.

Submissions (4):

Ambry Genetics
Classification: Uncertain significance. Last evaluated: 2025-02-13. Review status: criteria provided, single submitter. Criteria: Ambry Variant Classification Scheme 2023. Collection method: clinical testing. Allele origin: germline.

CeGaT Center for Human Genetics Tuebingen
Classification: Likely benign. Last evaluated: 2024-08-01. Review status: criteria provided, single submitter. Criteria: CeGaT Center For Human Genetics Tuebingen Variant Classification Criteria Version 2. Collection method: clinical testing. Allele origin: germline. Affected: yes. Observed: 2 variant alleles.
Comment: CDH15: BS1

Cambridge Genomics Laboratory, East Genomic Laboratory Hub, NHS Genomic Medicine Service
Classification: Likely benign for Neurofibromatosis, type 1. Last evaluated: 2020-04-29. Review status: criteria provided, single submitter. Criteria: ACGS Best Practice Guidelines for Variant Classification in Rare Disease 2020. Collection method: clinical testing. Allele origin: germline. Affected: yes. Observed: 1 variant allele.

Cambridge Genomics Laboratory, East Genomic Laboratory Hub, NHS Genomic Medicine Service
Classification: Likely benign for Intellectual disability. Last evaluated: 2019-11-12. Review status: criteria provided, single submitter. Criteria: ACGS Best Practice Guidelines for Variant Classification in Rare Disease 2020. Collection method: clinical testing. Allele origin: germline. Affected: yes. Observed: 1 variant allele.

NM_004933.3(CDH15):c.737C>T (p.Ala246Val)

Gene: CDH15 (cadherin 15; plus strand). Cytogenetic location: 16q24.3.
Variant type: single nucleotide variant.
Coding change: c.737C>T on transcript NM_004933.3 (MANE Select); coding-DNA position 737, C replaced by T.
Protein change: p.Ala246Val; replaces alanine 246 with valine.
Molecular consequence: missense variant.
Genome position (GRCh38, 1-based): chr16:89,187,502, C>T. VCF-style: chr16-89187502-C-T. GRCh37 (hg19) VCF-style: chr16-89253910-C-T.
Other names: c.737C>T (NM_004933.2); short protein forms A246V.
Identifiers: ClinVar variation 1298677 (VCV001298677.38), dbSNP rs150599325, ClinGen allele CA8238980.